The following is an entry in ClinVar:

ClinVar aggregate classification (germline): Uncertain significance (1 of 4 stars; one submission).

Conditions:
Joubert syndrome. Also called: CEREBELLOPARENCHYMAL DISORDER IV; JOUBERT-BOLTSHAUSER SYNDROME; Familial aplasia of the vermis. Identifiers: Orphanet 475, MedGen C5979921, MONDO:0018772.
Meckel-Gruber syndrome. Also called: DYSENCEPHALIA SPLANCHNOCYSTICA; GRUBER SYNDROME; Dysencephalia splachnocystica. Identifiers: Orphanet 564, MedGen C0265215, MONDO:0018921.

Submission:

Labcorp Genetics (formerly Invitae), Labcorp
Classification: Uncertain significance for Joubert syndrome; Meckel-Gruber syndrome. Last evaluated: 2022-09-13. Review status: criteria provided, single submitter. Criteria: Invitae Variant Classification Sherloc (09022015). Collection method: clinical testing. Allele origin: germline.
Comment: This sequence change creates a premature translational stop signal (p.Gln540Argfs*11) in the MKS1 gene. While this is not anticipated to result in nonsense mediated decay, it is expected to disrupt the last 20 amino acid(s) of the MKS1 protein. This variant is not present in population databases (gnomAD no frequency). This variant has not been reported in the literature in individuals affected with MKS1-related conditions. Experimental studies and prediction algorithms are not available or were not evaluated, and the functional significance of this variant is currently unknown. In summary, the available evidence is currently insufficient to determine the role of this variant in disease. Therefore, it has been classified as a Variant of Uncertain Significance.

NM_017777.4(MKS1):c.1619del (p.Gln540fs)

Gene: MKS1 (MKS transition zone complex subunit 1; minus strand). Cytogenetic location: 17q22.
Variant type: Deletion.
Coding change: c.1619del on transcript NM_017777.4 (MANE Select); coding-DNA position 1619, one base deleted (A; older notation c.1619delA).
Protein change: p.Gln540fs; shifts the reading frame from glutamine 540.
Molecular consequence: frameshift variant. On other transcripts: 3 prime UTR variant (1).
Genome position (GRCh38, 1-based): chr17:58,206,140, T deleted on the plus strand (A on the coding strand, the reverse complement: MKS1 is on the minus strand). VCF-style (leftmost placement, unchanged base first): chr17-58206139-CT-C. GRCh37 (hg19) VCF-style: chr17-56283500-CT-C.
Other names: c.1010del, p.Gln337fs (NM_001321268.2); c.1536del, p.Gly513fs (NM_001321269.2); c.*31del (NM_001330397.2); short protein forms G513fs, Q337fs, Q540fs.
Identifiers: ClinVar variation 1917987 (VCV001917987.2), dbSNP rs2509401203, ClinGen allele CA2580094282.